The following is an entry in ClinVar:

NM_004260.4(RECQL4):c.370G>A (p.Gly124Ser)

Gene: RECQL4 (RecQ like helicase 4; minus strand). Cytogenetic location: 8q24.3.
Variant type: single nucleotide variant.
Coding change: c.370G>A on transcript NM_004260.4 (MANE Select); coding-DNA position 370, G replaced by A.
Protein change: p.Gly124Ser; replaces glycine 124 with serine.
Molecular consequence: missense variant. On other transcripts: 5 prime UTR variant (13), non-coding transcript variant (3), intron variant (5).
Genome position (GRCh38, 1-based): chr8:144,516,749, C>T on the plus strand (G>A on the coding strand, the complement: RECQL4 is on the minus strand). VCF-style: chr8-144516749-C-T. GRCh37 (hg19) VCF-style: chr8-145742133-C-T.
Other names: c.-606G>A (NM_001413034.1); c.370G>A, p.Gly124Ser (NM_001413036.1, NM_001413039.1, NM_001413017.1 and 4 more transcripts); c.-702G>A (NM_001413037.1, NM_001413038.1, NM_001413040.1 and 3 more transcripts); c.-764G>A (NM_001413041.1, NM_001413027.1, NM_001413030.1 and 1 more transcripts); c.-971G>A (NM_001413043.1); c.354+301G>A (NM_001413029.1); c.-676-88G>A (NM_001413032.1); c.-614-88G>A (NM_001413035.1, NM_001413024.1); and 3 more; short protein forms G124S, G81S.
Identifiers: ClinVar variation 4863171 (VCV004863171.1).

ClinVar aggregate classification (germline): Uncertain significance (1 of 4 stars; one submission).

Conditions:
Inborn genetic diseases. Identifiers: MedGen C0950123, MeSH D030342.

Submission:

Ambry Genetics
Classification: Uncertain significance for Inborn genetic diseases. Last evaluated: 2026-04-20. Review status: criteria provided, single submitter. Criteria: Ambry Variant Classification Scheme 2023. Collection method: clinical testing. Allele origin: germline.
Comment: The p.G124S variant (also known as c.370G>A), located in coding exon 5 of the RECQL4 gene, results from a G to A substitution at nucleotide position 370. The glycine at codon 124 is replaced by serine, an amino acid with similar properties. This amino acid position is conserved. In addition, this alteration is predicted to be tolerated by in silico analysis. Based on the available evidence, the clinical significance of this variant remains unclear.